The following is an entry in ClinVar:

NM_001042492.3(NF1):c.205-19T>C

Gene: NF1 (neurofibromin 1; plus strand). Cytogenetic location: 17q11.2.
Variant type: single nucleotide variant.
Coding change: c.205-19T>C on transcript NM_001042492.3 (MANE Select); 19 bases into the intron before coding-DNA position 205, T replaced by C.
Molecular consequence: intron variant.
Genome position (GRCh38, 1-based): chr17:31,158,991, T>C. VCF-style: chr17-31158991-T-C. GRCh37 (hg19) VCF-style: chr17-29486009-T-C.
Other names: c.205-19T>C (NM_000267.4, NM_001128147.3).
Identifiers: ClinVar variation 1453813 (VCV001453813.9), dbSNP rs1597629649, ClinGen allele CA2573153528.

ClinVar aggregate classification (germline): Likely benign. Review status: criteria provided, multiple submitters, no conflicts (2 of 4 stars). 2 submissions from 2 submitters: Likely benign (2). Last evaluated 2026-05-11.

Conditions:
Neurofibromatosis, type 1 (NF1). Also called: VON RECKLINGHAUSEN DISEASE; Neurofibromatosis, type I; NEUROFIBROMATOSIS, TYPE I, SOMATIC; Peripheral type neurofibromatosis. Identifiers: Orphanet 636, MedGen C0027831, MONDO:0018975, OMIM 162200. Disease mechanism: loss of function.

Submissions (2):

Myriad Genetics, Inc.
Classification: Likely benign for Neurofibromatosis, type 1. Last evaluated: 2026-05-11. Review status: criteria provided, single submitter. Criteria: Myriad Autosomal Dominant, Autosomal Recessive and X-Linked Classification Criteria (2023). Collection method: clinical testing. Allele origin: unknown.
Comment: This variant is considered likely benign. This variant is intronic and is not expected to impact mRNA splicing.

Labcorp Genetics (formerly Invitae), Labcorp
Classification: Likely benign for Neurofibromatosis, type 1. Last evaluated: 2025-07-22. Review status: criteria provided, single submitter. Criteria: Invitae Variant Classification Sherloc (09022015). Collection method: clinical testing. Allele origin: germline.